The following is an entry in ClinVar:

NM_001374736.1(DST):c.22000C>T (p.Arg7334Cys)

Gene: DST (dystonin; minus strand). Cytogenetic location: 6p12.1.
Variant type: single nucleotide variant.
Coding change: c.22000C>T on transcript NM_001374736.1 (MANE Select); coding-DNA position 22000, C replaced by T.
Protein change: p.Arg7334Cys; replaces arginine 7334 with cysteine.
Molecular consequence: missense variant.
Genome position (GRCh38, 1-based): chr6:56,472,217, G>A on the plus strand (C>T on the coding strand, the complement: DST is on the minus strand). VCF-style: chr6-56472217-G-A. GRCh37 (hg19) VCF-style: chr6-56337015-G-A.
Other names: c.15643C>T, p.Arg5215Cys (NM_001144769.5); c.15229C>T, p.Arg5077Cys (NM_001144770.2); c.22000C>T, p.Arg7334Cys (NM_001374722.1); c.21040C>T, p.Arg7014Cys (NM_001374729.1); c.14782C>T, p.Arg4928Cys (NM_001374730.1); c.22027C>T, p.Arg7343Cys (NM_001374734.1); c.14131C>T, p.Arg4711Cys (NM_015548.5); c.15109C>T, p.Arg5037Cys (NM_183380.4); short protein forms R4711C, R4928C, R7334C, R7014C, R5037C, R5077C, R5215C, R7343C.
Identifiers: ClinVar variation 972152 (VCV000972152.7), dbSNP rs769938845, ClinGen allele CA3866345.
Genomic context (GRCh38, chr6:56,472,217, plus strand): 5'-GATTTTTGGTTTCAATTTGTGTCTGTGACCCAGAGGGATACAAGCTTGATGCTGGAAAGC[G>A]TTTTCCTGTGAAGGTATAACTTCGGTTAGGATGGCAGTTTCCAGGGTGCTGAAATGTGTT-3'
Protein context (NP_001361665.1, residues 7324-7344): VLDKGRAGRK[Arg7334Cys]FPASSLYPSG

ClinVar aggregate classification (germline): Uncertain significance (1 of 4 stars; one submission).

Conditions:
Epidermolysis bullosa simplex 3, localized or generalized intermediate, with BP230 deficiency (EBS3). Also called: Epidermolysis bullosa simplex, autosomal recessive 2; Epidermolysis bullosa simplex due to BP230 deficiency. Identifiers: Orphanet 412181, MedGen C3809470, MONDO:0014180, OMIM 615425.
Hereditary sensory and autonomic neuropathy type 6. Also called: Neuropathy, hereditary sensory and autonomic, type VI; HSAN VI. Identifiers: Orphanet 314381, MedGen C3539003, MONDO:0013839, OMIM 614653.

Allele frequency attached by ClinVar (database versions not stated): gnomAD 0.00003; TOPMed 0.00003; gnomAD exomes 0.00004; ExAC 0.00005.
gnomAD v4.1: 27 of 1,613,502 alleles (0.0017%); highest among the groups gnomAD compares: East Asian, 0.02%; no homozygotes.

Submission:

Labcorp Genetics (formerly Invitae), Labcorp
Classification: Uncertain significance for Epidermolysis bullosa simplex 3, localized or generalized intermediate, with BP230 deficiency; Hereditary sensory and autonomic neuropathy type 6. Last evaluated: 2022-08-13. Review status: criteria provided, single submitter. Criteria: Invitae Variant Classification Sherloc (09022015). Collection method: clinical testing. Allele origin: germline.
Comment: The DST gene has multiple clinically relevant transcripts. This variant occurs in alternate transcript NM_015548.4, and corresponds to NM_001723.5:c.*143300C>T in the primary transcript. This sequence change replaces arginine, which is basic and polar, with cysteine, which is neutral and slightly polar, at codon 4711 of the DST protein (p.Arg4711Cys). This variant is present in population databases (rs769938845, gnomAD 0.04%). This variant has not been reported in the literature in individuals affected with DST-related conditions. Experimental studies and prediction algorithms are not available or were not evaluated, and the functional significance of this variant is currently unknown. In summary, the available evidence is currently insufficient to determine the role of this variant in disease. Therefore, it has been classified as a Variant of Uncertain Significance.